The following is an entry in ClinVar:

ClinVar aggregate classification (germline): Uncertain significance (1 of 4 stars; one submission).

Conditions:
Kabuki syndrome. Also called: NIIKAWA-KUROKI SYNDROME; Kabuki make-up syndrome. Identifiers: Orphanet 2322, MedGen C0796004, MONDO:0016512.

Submission:

Labcorp Genetics (formerly Invitae), Labcorp
Classification: Uncertain significance for Kabuki syndrome. Last evaluated: 2025-01-13. Review status: criteria provided, single submitter. Criteria: Invitae Variant Classification Sherloc (09022015). Collection method: clinical testing. Allele origin: germline.
Comment: This sequence change replaces proline, which is neutral and non-polar, with glutamine, which is neutral and polar, at codon 2853 of the KMT2D protein (p.Pro2853Gln). This variant is not present in population databases (gnomAD no frequency). This variant has not been reported in the literature in individuals affected with KMT2D-related conditions. Invitae Evidence Modeling of protein sequence and biophysical properties (such as structural, functional, and spatial information, amino acid conservation, physicochemical variation, residue mobility, and thermodynamic stability) indicates that this missense variant is not expected to disrupt KMT2D protein function with a negative predictive value of 95%. In summary, the available evidence is currently insufficient to determine the role of this variant in disease. Therefore, it has been classified as a Variant of Uncertain Significance.

NM_003482.4(KMT2D):c.8558C>A (p.Pro2853Gln)

Gene: KMT2D (lysine methyltransferase 2D; minus strand). Cytogenetic location: 12q13.12.
Variant type: single nucleotide variant.
Coding change: c.8558C>A on transcript NM_003482.4 (MANE Select); coding-DNA position 8558, C replaced by A.
Protein change: p.Pro2853Gln; replaces proline 2853 with glutamine.
Molecular consequence: missense variant.
Genome position (GRCh38, 1-based): chr12:49,038,798, G>T on the plus strand (C>A on the coding strand, the complement: KMT2D is on the minus strand). VCF-style: chr12-49038798-G-T. GRCh37 (hg19) VCF-style: chr12-49432581-G-T.
Other names: short protein forms P2853Q.
Identifiers: ClinVar variation 3635133 (VCV003635133.2).